The following is an entry in ClinVar:

NM_000059.4(BRCA2):c.7045T>C (p.Phe2349Leu)

Gene: BRCA2 (BRCA2 DNA repair associated; plus strand). Cytogenetic location: 13q13.1.
Variant type: single nucleotide variant.
Coding change: c.7045T>C on transcript NM_000059.4 (MANE Select); coding-DNA position 7045, T replaced by C.
Protein change: p.Phe2349Leu; replaces phenylalanine 2349 with leucine.
Molecular consequence: missense variant.
Genome position (GRCh38, 1-based): chr13:32,354,898, T>C. VCF-style: chr13-32354898-T-C. GRCh37 (hg19) VCF-style: chr13-32929035-T-C.
Other names: short protein forms F2349L.
Identifiers: ClinVar variation 433814 (VCV000433814.19), dbSNP rs1555285984, ClinGen allele CA387738159.

ClinVar aggregate classification (germline): Uncertain significance. Review status: criteria provided, multiple submitters, no conflicts (2 of 4 stars). 5 submissions from 5 submitters: Uncertain significance (4). 1 of the submissions does not count toward it. Last evaluated 2023-12-06.

Conditions:
BRCA2-related disorder. Also called: BRCA2-related disorders; BRCA2-related condition. Identifiers: MedGen CN239275.
Hereditary cancer-predisposing syndrome. Also called: Hereditary Cancer Syndrome; Hereditary neoplastic syndrome; Neoplastic Syndromes, Hereditary; Tumor predisposition. Identifiers: Orphanet 140162, MedGen C0027672, MeSH D009386, MONDO:0015356.
Hereditary breast ovarian cancer syndrome. Also called: Hereditary breast and ovarian cancer syndrome (HBOC); Breast and ovarian cancer; BRCA1- and BRCA2-Associated Hereditary Breast and Ovarian Cancer; Hereditary breast and/or ovarian cancer syndrome; Hereditary breast and ovarian cancer; Hereditary breast and ovarian cancer syndrome. Identifiers: Orphanet 145, MedGen C0677776, MeSH D061325, MONDO:0003582. Disease mechanism: loss of function.
Malignant tumor of breast. Also called: Malignant breast neoplasm; Cancer breast. Identifiers: MedGen C0006142, MONDO:0007254. Disease mechanism: loss of function.

Allele frequency attached by ClinVar (database versions not stated): gnomAD exomes 0.00001.
gnomAD v4.1: 3 of 1,613,414 alleles (0.00019%); highest among the groups gnomAD compares: Admixed American, 0.0017%; no homozygotes.

Submissions (5):

Color Diagnostics, LLC DBA Color Health
Classification: Uncertain significance for Hereditary cancer-predisposing syndrome. Last evaluated: 2023-12-06. Review status: criteria provided, single submitter. Criteria: ACMG Guidelines, 2015. Collection method: clinical testing. Allele origin: germline.
Comment: This missense variant replaces phenylalanine with leucine at codon 2349 of the BRCA2 protein. Computational prediction suggests that this variant may not impact protein structure and function (internally defined REVEL score threshold <= 0.5, PMID: 27666373). A functional study has shown that this variant decreases cell viability and increases drug sensitivity in mouse embryonic stem cells (PMID: 37922907). To our knowledge, this variant has not been reported in individuals affected with BRCA2-related disorders in the literature. This variant has not been identified in the general population by the Genome Aggregation Database (gnomAD). The available evidence is insufficient to determine the role of this variant in disease conclusively. Therefore, this variant is classified as a Variant of Uncertain Significance.

Ambry Genetics
Classification: Uncertain significance for Hereditary cancer-predisposing syndrome. Last evaluated: 2023-10-16. Review status: criteria provided, single submitter. Criteria: Ambry Variant Classification Scheme 2023. Collection method: clinical testing. Allele origin: germline.
Comment: The p.F2349L variant (also known as c.7045T>C), located in coding exon 13 of the BRCA2 gene, results from a T to C substitution at nucleotide position 7045. The phenylalanine at codon 2349 is replaced by leucine, an amino acid with highly similar properties. This amino acid position is not well conserved in available vertebrate species. In addition, this alteration is predicted to be tolerated by in silico analysis. Since supporting evidence is limited at this time, the clinical significance of this alteration remains unclear.

PreventionGenetics, part of Exact Sciences
Classification: Uncertain significance for BRCA2-related condition. Last evaluated: 2022-12-08. Review status: criteria provided, single submitter. Criteria: ACMG Guidelines, 2015. Collection method: clinical testing. Allele origin: germline.
Comment: The BRCA2 c.7045T>C variant is predicted to result in the amino acid substitution p.Phe2349Leu. this variant has not been reported in a large population database, indicating this variant is rare. In ClinVar, this variant is interpreted as uncertain. At this time, the clinical significance of this variant is uncertain due to the absence of conclusive functional and genetic evidence.

Labcorp Genetics (formerly Invitae), Labcorp
Classification: Uncertain significance for Hereditary breast ovarian cancer syndrome. Last evaluated: 2022-10-17. Review status: criteria provided, single submitter. Criteria: Invitae Variant Classification Sherloc (09022015). Collection method: clinical testing. Allele origin: germline.
Comment: In summary, the available evidence is currently insufficient to determine the role of this variant in disease. Therefore, it has been classified as a Variant of Uncertain Significance. Advanced modeling of protein sequence and biophysical properties (such as structural, functional, and spatial information, amino acid conservation, physicochemical variation, residue mobility, and thermodynamic stability) performed at Invitae indicates that this missense variant is not expected to disrupt BRCA2 protein function. ClinVar contains an entry for this variant (Variation ID: 433814). This variant has not been reported in the literature in individuals affected with BRCA2-related conditions. This variant is not present in population databases (gnomAD no frequency). This sequence change replaces phenylalanine, which is neutral and non-polar, with leucine, which is neutral and non-polar, at codon 2349 of the BRCA2 protein (p.Phe2349Leu).

Department of Pathology and Laboratory Medicine, Sinai Health System
Classification: Uncertain significance for Malignant tumor of breast. Review status: no assertion criteria provided. Collection method: clinical testing. Allele origin: unknown. Affected: yes. Study: The Canadian Open Genetics Repository (COGR). Not counted in ClinVar's aggregate classification.
Comment: The BRCA2 p.Phe2349Leu variant was not identified in the literature nor was it identified in the dbSNP, NHLBI Exome Sequencing Project (Exome Variant Server), HGMD, LOVD, COSMIC, ClinVar, The p.Phe2349 residue is not conserved in mammals and the variant amino acid Leucine (Leu) is present in chickens, increasing the likelihood that this variant does not have clinical significance. Computational analyses (PolyPhen-2, SIFT, AlignGVGD, BLOSUM, MutationTaster) do not suggest a high likelihood of impact to the protein. However, this information is not predictive enough to rule out pathogenicity. In summary, based on the above information, the clinical significance of this variant cannot be determined with certainty at this time. This variant is classified as a variant of unknown significance.

Literature cited by the submitters: PubMed 37922907 (cited by Color Diagnostics, LLC DBA Color Health).